The following is an entry in ClinVar:

NM_003126.4(SPTA1):c.6896G>T (p.Cys2299Phe)

Gene: SPTA1 (spectrin alpha, erythrocytic 1; minus strand). Cytogenetic location: 1q23.1.
Variant type: single nucleotide variant.
Coding change: c.6896G>T on transcript NM_003126.4 (MANE Select); coding-DNA position 6896, G replaced by T.
Protein change: p.Cys2299Phe; replaces cysteine 2299 with phenylalanine.
Molecular consequence: missense variant.
Genome position (GRCh38, 1-based): chr1:158,613,814, C>A on the plus strand (G>T on the coding strand, the complement: SPTA1 is on the minus strand). VCF-style: chr1-158613814-C-A. GRCh37 (hg19) VCF-style: chr1-158583604-C-A.
Other names: p.Cys2299Phe; short protein forms C2299F.
Identifiers: ClinVar variation 292939 (VCV000292939.60), dbSNP rs201514157, ClinGen allele CA1181787.

ClinVar aggregate classification (germline): Conflicting classifications of pathogenicity. Review status: criteria provided, conflicting classifications (1 of 4 stars). 11 submissions from 9 submitters: Uncertain significance (10); Likely benign (1). Last evaluated 2025-12-29.

Conditions:
SPTA1-related disorder. Also called: SPTA1-related disorders; SPTA1-related condition.
Hereditary spherocytosis type 3. Also called: SPTA1-Related Spherocytosis; Spherocytosis type 3. Identifiers: Orphanet 822, MedGen C2678338, MONDO:0010053, OMIM 270970.
Elliptocytosis 2 (EL2). Also called: ELLIPTOCYTOSIS, RHESUS-UNLINKED TYPE. Identifiers: Orphanet 288, MedGen C1851741, MONDO:0007533, OMIM 130600.
Pyropoikilocytosis, hereditary. Also called: Pyropoikilocytosis. Identifiers: MedGen C0520739, MONDO:0009948, OMIM 266140, HP:0004839. Disease mechanism: loss of function.

Allele frequency attached by ClinVar (database versions not stated): gnomAD 0.00034 and 0.00041; gnomAD exomes 0.00035; TOPMed 0.00036; ExAC 0.00038; ESP Exome Variant Server 0.00042.
gnomAD v4.1: 962 of 1,613,802 alleles (0.06%); highest among the groups gnomAD compares: Non-Finnish European, 0.075%; no homozygotes.

Submissions (11):

Center for Genomic Medicine, Rigshospitalet, Copenhagen University Hospital
Classification: Uncertain significance. Last evaluated: 2025-12-29. Review status: criteria provided, single submitter. Criteria: ACMG Guidelines, 2015. Collection method: clinical testing. Allele origin: germline.

Labcorp Genetics (formerly Invitae), Labcorp
Classification: Likely benign. Last evaluated: 2025-12-24. Review status: criteria provided, single submitter. Criteria: Invitae Variant Classification Sherloc (09022015). Collection method: clinical testing. Allele origin: germline.

Revvity Omics, Revvity
Classification: Uncertain significance. Last evaluated: 2024-11-14. Review status: criteria provided, single submitter. Criteria: ACMG Guidelines, 2015. Collection method: clinical testing. Allele origin: germline.

Blueprint Genetics
Classification: Uncertain significance. Last evaluated: 2024-10-10. Review status: criteria provided, single submitter. Criteria: ACMG Guidelines, 2015. Collection method: clinical testing. Allele origin: germline.

ARUP Laboratories, Molecular Genetics and Genomics, ARUP Laboratories
Classification: Uncertain significance. Last evaluated: 2024-06-24. Review status: criteria provided, single submitter. Criteria: ARUP Molecular Germline Variant Investigation Process 2024. Collection method: clinical testing. Allele origin: germline.

PreventionGenetics, part of Exact Sciences
Classification: Uncertain significance for SPTA1-related condition. Last evaluated: 2023-06-23. Review status: criteria provided, single submitter. Criteria: ACMG Guidelines, 2015. Collection method: clinical testing. Allele origin: germline.
Comment: The SPTA1 c.6896G>T variant is predicted to result in the amino acid substitution p.Cys2299Phe. To our knowledge, this variant has not been reported in the literature. This variant is reported in 0.072% of alleles in individuals of European (Non-Finnish) descent in gnomAD. Although we suspect that this variant may be benign, at this time, the clinical significance of this variant is uncertain due to the absence of conclusive functional and genetic evidence.

Mayo Clinic Laboratories, Mayo Clinic
Classification: Uncertain significance. Last evaluated: 2023-05-24. Review status: criteria provided, single submitter. Criteria: ACMG Guidelines, 2015. Collection method: clinical testing. Allele origin: germline. Observed: 4 variant alleles.

CeGaT Center for Human Genetics Tuebingen
Classification: Uncertain significance. Last evaluated: 2019-06-01. Review status: criteria provided, single submitter. Criteria: CeGaT Center For Human Genetics Tuebingen Variant Classification Criteria Version 2. Collection method: clinical testing. Allele origin: germline. Affected: yes. Observed: 1 variant allele.

Illumina Laboratory Services, Illumina
Classification: Uncertain significance for Hereditary spherocytosis type 3. Last evaluated: 2018-01-12. Review status: criteria provided, single submitter. Criteria: ICSL Variant Classification Criteria 13 December 2019. Collection method: clinical testing. Allele origin: germline.

Illumina Laboratory Services, Illumina
Classification: Uncertain significance for Elliptocytosis 2. Last evaluated: 2018-01-12. Review status: criteria provided, single submitter. Criteria: ICSL Variant Classification Criteria 13 December 2019. Collection method: clinical testing. Allele origin: germline.

Illumina Laboratory Services, Illumina
Classification: Uncertain significance for Pyropoikilocytosis, hereditary. Last evaluated: 2018-01-12. Review status: criteria provided, single submitter. Criteria: ICSL Variant Classification Criteria 13 December 2019. Collection method: clinical testing. Allele origin: germline.

Literature cited by the submitters: PubMed 35845192 (cited by Center for Genomic Medicine, Rigshospitalet, Copenhagen University Hospital); PubMed 27863252 (cited by Center for Genomic Medicine, Rigshospitalet, Copenhagen University Hospital and Mayo Clinic Laboratories, Mayo Clinic); PubMed 32888494 (cited by Mayo Clinic Laboratories, Mayo Clinic).